The following is an entry in ClinVar:

ClinVar aggregate classification (germline): Pathogenic (1 of 4 stars; one submission).

Conditions:
Inborn genetic diseases. Identifiers: MedGen C0950123, MeSH D030342.

Submission:

Ambry Genetics
Classification: Pathogenic for Inborn genetic diseases. Last evaluated: 2025-10-21. Review status: criteria provided, single submitter. Criteria: Ambry Variant Classification Scheme 2023. Collection method: clinical testing. Allele origin: germline.
Comment: The c.529C>T (p.Q177*) alteration, located in exon 5 (coding exon 4) of the CTNNB1 gene, consists of a C to T substitution at nucleotide position 529. This changes the amino acid from a glutamine (Q) to a stop codon at amino acid position 177. This alteration is expected to result in loss of function by premature protein truncation or nonsense-mediated mRNA decay. This variant was not reported in population-based cohorts in the Genome Aggregation Database (gnomAD). Based on the available evidence, this alteration is classified as pathogenic.

NM_001904.4(CTNNB1):c.529C>T (p.Gln177Ter)

Genes: CTNNB1 (catenin beta 1; plus strand), LOC126806658 (BRD4-independent group 4 enhancer GRCh37_chr3:41265899-41267098; plus strand). Cytogenetic location: 3p22.1.
Variant type: single nucleotide variant.
Coding change: c.529C>T on transcript NM_001904.4 (MANE Select); coding-DNA position 529, C replaced by T.
Protein change: p.Gln177Ter; replaces glutamine 177 with a stop codon.
Molecular consequence: nonsense.
Genome position (GRCh38, 1-based): chr3:41,225,367, C>T. VCF-style: chr3-41225367-C-T. GRCh37 (hg19) VCF-style: chr3-41266858-C-T.
Other names: c.529C>T, p.Gln177Ter (NM_001098209.2, NM_001098210.2, NM_001438871.1 and 4 more transcripts); c.508C>T, p.Gln170Ter (NM_001330729.2); short protein forms Q177*, Q170*.
Identifiers: ClinVar variation 4616684 (VCV004616684.1).